The following is an entry in ClinVar:

ClinVar aggregate classification (germline): Benign. Review status: criteria provided, single submitter (1 of 4 stars). 2 submissions from 1 submitter: Benign (2). Last evaluated 2018-01-12.

Conditions:
Tietz syndrome (TADS). Also called: ALBINISM-DEAFNESS OF TIETZ; HYPOPIGMENTATION/DEAFNESS OF TIETZ; TIETZ ALBINISM-DEAFNESS SYNDROME. Identifiers: Orphanet 42665, MedGen C0391816, MONDO:0007077, OMIM 103500.
Waardenburg syndrome type 2A (WS2A). Also called: WAARDENBURG SYNDROME WITHOUT DYSTOPIA CANTHORUM. Identifiers: Orphanet 3440, MedGen C1860339, MONDO:0008671, OMIM 193510.

Allele frequency attached by ClinVar (database versions not stated): gnomAD 0.00042 and 0.00066; TOPMed 0.00083; 1000 Genomes Project 0.00200; 1000 Genomes Project 30x 0.00234; gnomAD exomes 0.00483.
gnomAD v4.1: 463 of 232,990 alleles (0.2%); highest among the groups gnomAD compares: East Asian, 2.7%; 9 homozygotes.

Submissions (2):

Illumina Laboratory Services, Illumina
Classification: Benign for Waardenburg syndrome type 2A. Last evaluated: 2018-01-12. Review status: criteria provided, single submitter. Criteria: ICSL Variant Classification Criteria 13 December 2019. Collection method: clinical testing. Allele origin: germline.
Comment: This variant was observed in the ICSL laboratory as part of a predisposition screen in an ostensibly healthy population. It had not been previously curated by ICSL or reported in the Human Gene Mutation Database (HGMD: prior to June 1st, 2018), and was therefore a candidate for classification through an automated scoring system. Utilizing variant allele frequency, disease prevalence and penetrance estimates, and inheritance mode, an automated score was calculated to assess if this variant is too frequent to cause the disease. Based on the score and internal cut-off values, a variant classified as benign is not then subjected to further curation. The score for this variant resulted in a classification of benign for this disease.

Illumina Laboratory Services, Illumina
Classification: Benign for Tietz syndrome. Last evaluated: 2018-01-12. Review status: criteria provided, single submitter. Criteria: ICSL Variant Classification Criteria 13 December 2019. Collection method: clinical testing. Allele origin: germline.
Comment: the same text as in the submission from Illumina Laboratory Services, Illumina above.

NM_001354604.2(MITF):c.*1491A>G

Gene: MITF (melanocyte inducing transcription factor; plus strand). Cytogenetic location: 3p13.
Variant type: single nucleotide variant.
Coding change: c.*1491A>G on transcript NM_001354604.2 (MANE Select); 1491 bases downstream of the stop codon, A replaced by G.
Molecular consequence: 3 prime UTR variant.
Genome position (GRCh38, 1-based): chr3:69,966,739, A>G. VCF-style: chr3-69966739-A-G. GRCh37 (hg19) VCF-style: chr3-70015890-A-G.
Other names: c.*1491A>G (NM_000248.4, NM_001184967.2, NM_001354605.2 and 8 more transcripts).
Identifiers: ClinVar variation 346523 (VCV000346523.5), dbSNP rs80212793, ClinGen allele CA10619403.
Genomic context (GRCh38, chr3:69,966,739, plus strand): 5'-TCCTATGCAATAACAGTAGTGTTACATGTATCAAGCCTAGATGTTTTATACAGATGCCAT[A>G]TAGTGTTATGAGCCAGGCTGTTGAATGGAATTTCTCAGTAGCAGCCTACAACTGAATAGC-3'